The following is an entry in ClinVar:

NM_001367624.2(ZNF469):c.11176G>A (p.Ala3726Thr)

Gene: ZNF469 (zinc finger protein 469; plus strand). Cytogenetic location: 16q24.2.
Variant type: single nucleotide variant.
Coding change: c.11176G>A on transcript NM_001367624.2 (MANE Select); coding-DNA position 11176, G replaced by A.
Protein change: p.Ala3726Thr; replaces alanine 3726 with threonine.
Molecular consequence: missense variant.
Genome position (GRCh38, 1-based): chr16:88,438,646, G>A. VCF-style: chr16-88438646-G-A. GRCh37 (hg19) VCF-style: chr16-88505054-G-A.
Other names: NM_001127464.1:c.11092G>A; short protein forms A3726T.
Identifiers: ClinVar variation 3232739 (VCV003232739.1), dbSNP rs2507608491, ClinGen allele CA397129278.
Genomic context (GRCh38, chr16:88,438,646, plus strand): 5'-CTGGCACCCGGGGAGCTGGCCCGTGGCACAGAGAATGGGATGAAGCCCGCCACCCCCAAA[G>A]CCAAACCCGGCCCCAGCTCCCAGGGCAGTGGAAGCCCTCGCCCCGGCACCAAGACAGGAG-3'
Protein context (NP_001354553.1, residues 3716-3736): ENGMKPATPK[Ala3726Thr]KPGPSSQGSG

ClinVar aggregate classification (germline): Uncertain significance (1 of 4 stars; one submission).

Conditions:
Cardiovascular phenotype. Identifiers: MedGen CN230736.

Submission:

Ambry Genetics
Classification: Uncertain significance for Cardiovascular phenotype. Last evaluated: 2023-12-03. Review status: criteria provided, single submitter. Criteria: Ambry Variant Classification Scheme 2023. Collection method: clinical testing. Allele origin: germline.
Comment: The p.A3698T variant (also known as c.11092G>A), located in coding exon 2 of the ZNF469 gene, results from a G to A substitution at nucleotide position 11092. The alanine at codon 3698 is replaced by threonine, an amino acid with similar properties. This amino acid position is conserved. In addition, this alteration is predicted to be tolerated by in silico analysis. Since supporting evidence is limited at this time, the clinical significance of this alteration remains unclear.